The following is an entry in ClinVar:

NM_000243.3(MEFV):c.1760-176G>A

Genes: MEFV (MEFV innate immunity regulator, pyrin; minus strand), LOC126862264 (CDK7 strongly-dependent group 2 enhancer GRCh37_chr16:3293322-3294521; plus strand). Cytogenetic location: 16p13.3.
Variant type: single nucleotide variant.
Coding change: c.1760-176G>A on transcript NM_000243.3 (MANE Select); 176 bases into the intron before coding-DNA position 1760, G replaced by A.
Molecular consequence: intron variant. On other transcripts: splice acceptor variant (1).
Genome position (GRCh38, 1-based): chr16:3,244,068, C>T on the plus strand (G>A on the coding strand, the complement: MEFV is on the minus strand). VCF-style: chr16-3244068-C-T. GRCh37 (hg19) VCF-style: chr16-3294068-C-T.
Other names: c.1127-1G>A (NM_001198536.2).
Identifiers: ClinVar variation 4990380 (VCV004990380.1).

ClinVar aggregate classification (germline): Uncertain significance (1 of 4 stars; one submission).

Conditions:
MEFV-related disorder. Also called: MEFV-related condition; MEFV-related disorders.

gnomAD v4.1: 37 of 1,551,470 alleles (0.0024%); highest among the groups gnomAD compares: Non-Finnish European, 0.0031%; 1 homozygote.

Submission:

PreventionGenetics, part of Exact Sciences
Classification: Uncertain significance for MEFV-related condition. Last evaluated: 2024-10-14. Review status: criteria provided, single submitter. Criteria: ACMG Guidelines, 2015. Collection method: clinical testing. Allele origin: germline.
Comment: The MEFV c.1127-1G>A variant is predicted to disrupt the AG splice acceptor site and interfere with normal splicing. To our knowledge, this variant has not been reported in the literature. This variant is reported in 0.0040% of alleles in individuals of European (Non-Finnish) descent in gnomAD. At this time, the clinical significance of this variant is uncertain due to the absence of conclusive functional and genetic evidence.